The following is an entry in ClinVar:

ClinVar aggregate classification (germline): Uncertain significance. Review status: criteria provided, multiple submitters, no conflicts (2 of 4 stars). 2 submissions from 2 submitters: Uncertain significance (2). Last evaluated 2025-12-31.

Conditions:
Neurodegeneration with brain iron accumulation 5 (NBIA5). Also called: Beta-propeller protein-associated neurodegeneration; STATIC ENCEPHALOPATHY OF CHILDHOOD WITH NEURODEGENERATION IN ADULTHOOD. Identifiers: Orphanet 329284, MedGen C3550973, MONDO:0010476, OMIM 300894.

Submissions (2):

GeneDx
Classification: Uncertain significance. Last evaluated: 2025-12-31. Review status: criteria provided, single submitter. Criteria: GeneDx Variant Classification Process June 2021. Collection method: clinical testing. Allele origin: germline. Affected: yes.
Comment: In silico analysis supports that this missense variant has a deleterious effect on protein structure/function; Has not been previously published as pathogenic or benign to our knowledge; Not observed at significant frequency in large population cohorts (gnomAD)

Labcorp Genetics (formerly Invitae), Labcorp
Classification: Uncertain significance for Neurodegeneration with brain iron accumulation 5. Last evaluated: 2021-07-08. Review status: criteria provided, single submitter. Criteria: Invitae Variant Classification Sherloc (09022015). Collection method: clinical testing. Allele origin: germline.
Comment: This sequence change replaces serine with arginine at codon 154 of the WDR45 protein (p.Ser154Arg). The serine residue is highly conserved and there is a moderate physicochemical difference between serine and arginine. This variant is not present in population databases (ExAC no frequency). This variant has not been reported in the literature in individuals affected with WDR45-related conditions. Algorithms developed to predict the effect of missense changes on protein structure and function are either unavailable or do not agree on the potential impact of this missense change (SIFT: "Tolerated"; PolyPhen-2: "Possibly Damaging"; Align-GVGD: "Class C0"). In summary, the available evidence is currently insufficient to determine the role of this variant in disease. Therefore, it has been classified as a Variant of Uncertain Significance.

NM_001029896.2(WDR45):c.459C>A (p.Ser153Arg)

Gene: WDR45 (WD repeat domain 45; minus strand). Cytogenetic location: Xp11.23.
Variant type: single nucleotide variant.
Coding change: c.459C>A on transcript NM_001029896.2 (MANE Select); coding-DNA position 459, C replaced by A.
Protein change: p.Ser153Arg; replaces serine 153 with arginine.
Molecular consequence: missense variant.
Genome position (GRCh38, 1-based): chrX:49,075,923, G>T on the plus strand (C>A on the coding strand, the complement: WDR45 is on the minus strand). VCF-style: chrX-49075923-G-T. GRCh37 (hg19) VCF-style: chrX-48933582-G-T.
Other names: c.462C>A, p.Ser154Arg (NM_007075.4); short protein forms S153R, S154R.
Identifiers: ClinVar variation 1327388 (VCV001327388.10), dbSNP rs2147815709, ClinGen allele CA412945423.
Genomic context (GRCh38, chrX:49,075,923, plus strand): 5'-CACCACAAGTTGCAGACTCCCACACTTGTGTCCCGGGAACACTAGCAGTTGCTTCTCCAG[G>T]CTGGGGCAGAGGTCACAGAGCCCTAGGGTGTGAAGATGGGGGGTGGGGTGGGCGGCTGAA-3'
Protein context (NP_001025067.1, residues 143-163): NPKGLCDLCP[Ser153Arg]LEKQLLVFPG